The following is an entry in ClinVar:

NM_003738.5(PTCH2):c.1720G>T (p.Ala574Ser)

Gene: PTCH2 (patched 2; minus strand). Cytogenetic location: 1p34.1.
Variant type: single nucleotide variant.
Coding change: c.1720G>T on transcript NM_003738.5 (MANE Select); coding-DNA position 1720, G replaced by T.
Protein change: p.Ala574Ser; replaces alanine 574 with serine.
Molecular consequence: missense variant.
Genome position (GRCh38, 1-based): chr1:44,828,181, C>A on the plus strand (G>T on the coding strand, the complement: PTCH2 is on the minus strand). VCF-style: chr1-44828181-C-A. GRCh37 (hg19) VCF-style: chr1-45293853-C-A.
Other names: c.1720G>T, p.Ala574Ser (NM_001166292.2); short protein forms A574S.
Identifiers: ClinVar variation 664994 (VCV000664994.14), dbSNP rs779477101, ClinGen allele CA823178.
Genomic context (GRCh38, chr1:44,828,181, plus strand): 5'-CAATGCCCACTGGTACTGTCCCGTCCCCCAGCTCCTGGGGCAGGATCTGAATCACCTGAG[C>A]AGAGCAGGGACTGGAAGAGGTAGAGAGTGGATGACAGGTCTGTGCCTTGAAATGCTGGTG-3'
Protein context (NP_003729.3, residues 564-584): VLCCFSSPCS[Ala574Ser]QVIQILPQEL

ClinVar aggregate classification (germline): Uncertain significance. Review status: criteria provided, multiple submitters, no conflicts (2 of 4 stars). 3 submissions from 3 submitters: Uncertain significance (3). Last evaluated 2025-12-19.

Conditions:
Gorlin syndrome. Also called: Nevoid Basal Cell Carcinoma Syndrome; Basal cell nevus syndrome. Identifiers: Orphanet 377, MedGen C0004779, MONDO:0007187.

Allele frequency attached by ClinVar (database versions not stated): ExAC 0.00001; gnomAD 0.00001; gnomAD exomes 0.00001 and 0.00002; TOPMed 0.00002.
gnomAD v4.1: 23 of 1,613,472 alleles (0.0014%); highest among the groups gnomAD compares: Middle Eastern, 0.016%; no homozygotes.

Submissions (3):

Labcorp Genetics (formerly Invitae), Labcorp
Classification: Uncertain significance for Gorlin syndrome. Last evaluated: 2025-12-19. Review status: criteria provided, single submitter. Criteria: Invitae Variant Classification Sherloc (09022015). Collection method: clinical testing. Allele origin: germline.
Comment: This sequence change replaces alanine, which is neutral and non-polar, with serine, which is neutral and polar, at codon 574 of the PTCH2 protein (p.Ala574Ser). This variant is present in population databases (rs779477101, gnomAD 0.01%). This variant has not been reported in the literature in individuals affected with PTCH2-related conditions. ClinVar contains an entry for this variant (Variation ID: 664994). An algorithm developed to predict the effect of missense changes on protein structure and function outputs the following: PolyPhen-2: "Benign". The serine amino acid residue is found in multiple mammalian species, which suggests that this missense change does not adversely affect protein function. Algorithms developed to predict the effect of sequence changes on RNA splicing suggest that this variant may create or strengthen a splice site. In summary, the available evidence is currently insufficient to determine the role of this variant in disease. Therefore, it has been classified as a Variant of Uncertain Significance.

Ambry Genetics
Classification: Uncertain significance. Last evaluated: 2025-09-02. Review status: criteria provided, single submitter. Criteria: Ambry Variant Classification Scheme 2023. Collection method: clinical testing. Allele origin: germline.

Revvity Omics, Revvity
Classification: Uncertain significance. Last evaluated: 2021-09-02. Review status: criteria provided, single submitter. Criteria: ACMG Guidelines, 2015. Collection method: clinical testing. Allele origin: germline.